The following is an entry in ClinVar:

ClinVar aggregate classification (germline): Uncertain significance. Review status: criteria provided, single submitter (1 of 4 stars). 2 submissions from 2 submitters: Uncertain significance (1). 1 of the submissions does not count toward it. Last evaluated 2022-08-09.

Conditions:
Alstrom syndrome (ALMS). Identifiers: Orphanet 64, MedGen C0268425, MONDO:0008763, OMIM 203800.

Submissions (2):

Labcorp Genetics (formerly Invitae), Labcorp
Classification: Uncertain significance for Alstrom syndrome. Last evaluated: 2022-08-09. Review status: criteria provided, single submitter. Criteria: Invitae Variant Classification Sherloc (09022015). Collection method: clinical testing. Allele origin: germline.
Comment: This variant is not present in population databases (gnomAD no frequency). In summary, the available evidence is currently insufficient to determine the role of this variant in disease. Therefore, it has been classified as a Variant of Uncertain Significance. Experimental studies and prediction algorithms are not available or were not evaluated, and the functional significance of this variant is currently unknown. ClinVar contains an entry for this variant (Variation ID: 1448051). This variant has not been reported in the literature in individuals affected with ALMS1-related conditions. This sequence change replaces proline with alanine at codon 3054 of the ALMS1 protein (p.Pro3054Ala). The proline residue is highly conserved and there is a small physicochemical difference between proline and alanine.

Natera, Inc.
Classification: Uncertain significance for Alstrom syndrome. Last evaluated: 2025-05-20. Review status: no assertion criteria provided. Collection method: clinical testing. Allele origin: germline. Not counted in ClinVar's aggregate classification.

NM_001378454.1(ALMS1):c.9157C>G (p.Pro3053Ala)

Gene: ALMS1 (ALMS1 centrosome and basal body associated protein; plus strand). Cytogenetic location: 2p13.1.
Variant type: single nucleotide variant.
Coding change: c.9157C>G on transcript NM_001378454.1 (MANE Select); coding-DNA position 9157, C replaced by G.
Protein change: p.Pro3053Ala; replaces proline 3053 with alanine.
Molecular consequence: missense variant.
Genome position (GRCh38, 1-based): chr2:73,491,116, C>G. VCF-style: chr2-73491116-C-G. GRCh37 (hg19) VCF-style: chr2-73718243-C-G.
Other names: c.9160C>G, p.Pro3054Ala (NM_015120.4); short protein forms P3053A, P3054A.
Identifiers: ClinVar variation 1448051 (VCV001448051.6), dbSNP rs1672976080, ClinGen allele CA347273312.
Genomic context (GRCh38, chr2:73,491,116, plus strand): 5'-TCTGCATCTACTCCTCCTTCAAATAGAAAAGCACTTTCTTGTGTTCATATAACTCTTTGT[C>G]CCAAGACTTCTTCCAAGTTGGATAGTGGAACTTTAGATGAAAGATTCCATTCATTGGATG-3'
Protein context (NP_001365383.1, residues 3043-3063): ALSCVHITLC[Pro3053Ala]KTSSKLDSGT